The following is an entry in ClinVar:

NM_006506.5(RASA2):c.2519+18T>G

Gene: RASA2 (RAS p21 protein activator 2; plus strand). Cytogenetic location: 3q23.
Variant type: single nucleotide variant.
Coding change: c.2519+18T>G on transcript NM_006506.5 (MANE Select); 18 bases into the intron after coding-DNA position 2519, T replaced by G.
Molecular consequence: intron variant.
Genome position (GRCh38, 1-based): chr3:141,610,084, T>G. VCF-style: chr3-141610084-T-G. GRCh37 (hg19) VCF-style: chr3-141328926-T-G.
Other names: c.2522+18T>G (NM_001303245.3); c.2531+18T>G (NM_001303246.3).
Identifiers: ClinVar variation 928645 (VCV000928645.1), dbSNP rs2083613884, ClinGen allele CA1139658286.

ClinVar aggregate classification (germline): Uncertain significance (1 of 4 stars; one submission).

Submission:

Women's Health and Genetics/Laboratory Corporation of America, LabCorp
Classification: Uncertain significance. Last evaluated: 2019-11-18. Review status: criteria provided, single submitter. Criteria: LabCorp Variant Classification Summary - May 2015. Collection method: clinical testing. Allele origin: germline.
Comment: Variant summary: RASA2 c.2519+18T>G alters a non-conserved nucleotide located close to a canonical splice site and therefore could affect mRNA splicing, leading to a significantly altered protein sequence. 4/4 computational tools predict no significant impact on normal splicing. However, these predictions have yet to be confirmed by functional studies. The variant was absent in 204398 control chromosomes. The available data on variant occurrences in the general population are insufficient to allow any conclusion about variant significance. To our knowledge, no occurrence of c.2519+18T>G in individuals affected with Noonan Syndrome and Related Conditions and no experimental evidence demonstrating its impact on protein function have been reported. Co-occurrence with another pathogenic variant has been reported at our laboratory (PTPN11 c.922A>G, p.Asn308Asp), providing supporting evidence for a benign role. No clinical diagnostic laboratories have submitted clinical-significance assessments for this variant to ClinVar after 2014. Based on the evidence outlined above, the variant was classified as uncertain significance.